The following is an entry in ClinVar:

NM_004092.4(ECHS1):c.8C>A (p.Ala3Asp)

Genes: ECHS1 (enoyl-CoA hydratase, short chain 1; minus strand), LOC130005023 (ATAC-STARR-seq lymphoblastoid silent region 2977; plus strand). Cytogenetic location: 10q26.3.
Variant type: single nucleotide variant.
Coding change: c.8C>A on transcript NM_004092.4 (MANE Select); coding-DNA position 8, C replaced by A.
Protein change: p.Ala3Asp; replaces alanine 3 with aspartic acid.
Molecular consequence: missense variant.
Genome position (GRCh38, 1-based): chr10:133,373,326, G>T on the plus strand (C>A on the coding strand, the complement: ECHS1 is on the minus strand). VCF-style: chr10-133373326-G-T. GRCh37 (hg19) VCF-style: chr10-135186830-G-T.
Other names: short protein forms A3D.
Identifiers: ClinVar variation 2136943 (VCV002136943.4), dbSNP rs372408822, ClinGen allele CA378824555.

ClinVar aggregate classification (germline): Likely pathogenic (1 of 4 stars; one submission).

gnomAD v4.1: 9 of 1,502,876 alleles (0.0006%); highest among the groups gnomAD compares: South Asian, 0.0012%; no homozygotes.

Submission:

Labcorp Genetics (formerly Invitae), Labcorp
Classification: Likely pathogenic. Last evaluated: 2023-08-30. Review status: criteria provided, single submitter. Criteria: Invitae Variant Classification Sherloc (09022015). Collection method: clinical testing. Allele origin: germline.
Comment: The frequency data for this variant in the population databases is considered unreliable, as metrics indicate poor data quality at this position in the gnomAD database. This sequence change replaces alanine, which is neutral and non-polar, with aspartic acid, which is acidic and polar, at codon 3 of the ECHS1 protein (p.Ala3Asp). In summary, the currently available evidence indicates that the variant is pathogenic, but additional data are needed to prove that conclusively. Therefore, this variant has been classified as Likely Pathogenic. Advanced modeling of protein sequence and biophysical properties (such as structural, functional, and spatial information, amino acid conservation, physicochemical variation, residue mobility, and thermodynamic stability) performed at Invitae indicates that this missense variant is expected to disrupt ECHS1 protein function. ClinVar contains an entry for this variant (Variation ID: 2136943). This missense change has been observed in individuals with mitochondrial short-chain enoyl-CoA hydratase-1 deficiency (PMID: 26920905, 28202214). It has also been observed to segregate with disease in related individuals.

Literature cited by the submitters: PubMed 26920905; PubMed 28202214.